The following is an entry in ClinVar:

NM_007186.6(CEP250):c.5606G>T (p.Arg1869Leu)

Gene: CEP250 (centrosomal protein 250; plus strand). Cytogenetic location: 20q11.22.
Variant type: single nucleotide variant.
Coding change: c.5606G>T on transcript NM_007186.6 (MANE Select); coding-DNA position 5606, G replaced by T.
Protein change: p.Arg1869Leu; replaces arginine 1869 with leucine.
Molecular consequence: missense variant.
Genome position (GRCh38, 1-based): chr20:35,503,975, G>T. VCF-style: chr20-35503975-G-T. GRCh37 (hg19) VCF-style: chr20-34091803-G-T.
Other names: c.3710G>T, p.Arg1237Leu (NM_001318219.1); c.5606G>T (NM_007186.3); short protein forms R1869L, R1237L.
Identifiers: ClinVar variation 1413394 (VCV001413394.5), dbSNP rs375122917, ClinGen allele CA9833902.

ClinVar aggregate classification (germline): Uncertain significance. Review status: criteria provided, multiple submitters, no conflicts (2 of 4 stars). 2 submissions from 2 submitters: Uncertain significance (2). Last evaluated 2023-08-22.

Submissions (2):

Ambry Genetics
Classification: Uncertain significance. Last evaluated: 2023-08-22. Review status: criteria provided, single submitter. Criteria: Ambry Variant Classification Scheme 2023. Collection method: clinical testing. Allele origin: germline.

Labcorp Genetics (formerly Invitae), Labcorp
Classification: Uncertain significance. Last evaluated: 2022-10-18. Review status: criteria provided, single submitter. Criteria: Invitae Variant Classification Sherloc (09022015). Collection method: clinical testing. Allele origin: germline.
Comment: In summary, the available evidence is currently insufficient to determine the role of this variant in disease. Therefore, it has been classified as a Variant of Uncertain Significance. Algorithms developed to predict the effect of missense changes on protein structure and function are either unavailable or do not agree on the potential impact of this missense change (SIFT: "Not Available"; PolyPhen-2: "Benign"; Align-GVGD: "Not Available"). ClinVar contains an entry for this variant (Variation ID: 1413394). This variant has not been reported in the literature in individuals affected with CEP250-related conditions. This variant is present in population databases (rs375122917, gnomAD 0.02%). This sequence change replaces arginine, which is basic and polar, with leucine, which is neutral and non-polar, at codon 1869 of the CEP250 protein (p.Arg1869Leu).